The following is an entry in ClinVar:

NM_002772.3(TMPRSS15):c.587C>A (p.Thr196Lys)

Gene: TMPRSS15 (transmembrane serine protease 15; minus strand). Cytogenetic location: 21q21.1.
Variant type: single nucleotide variant.
Coding change: c.587C>A on transcript NM_002772.3 (MANE Select); coding-DNA position 587, C replaced by A.
Protein change: p.Thr196Lys; replaces threonine 196 with lysine.
Molecular consequence: missense variant.
Genome position (GRCh38, 1-based): chr21:18,372,270, G>T on the plus strand (C>A on the coding strand, the complement: TMPRSS15 is on the minus strand). VCF-style: chr21-18372270-G-T. GRCh37 (hg19) VCF-style: chr21-19744587-G-T.
Other names: short protein forms T196K.
Identifiers: ClinVar variation 1980451 (VCV001980451.2), dbSNP rs2075799206, ClinGen allele CA409852574.

ClinVar aggregate classification (germline): Uncertain significance (1 of 4 stars; one submission).

gnomAD v4.1: 4 of 1,613,158 alleles (0.00025%); no homozygotes.

Submission:

Labcorp Genetics (formerly Invitae), Labcorp
Classification: Uncertain significance. Last evaluated: 2022-03-18. Review status: criteria provided, single submitter. Criteria: Invitae Variant Classification Sherloc (09022015). Collection method: clinical testing. Allele origin: germline.
Comment: In summary, the available evidence is currently insufficient to determine the role of this variant in disease. Therefore, it has been classified as a Variant of Uncertain Significance. Algorithms developed to predict the effect of sequence changes on RNA splicing suggest that this variant may create or strengthen a splice site. Algorithms developed to predict the effect of missense changes on protein structure and function output the following: SIFT: "Not Available"; PolyPhen-2: "Benign"; Align-GVGD: "Not Available". The lysine amino acid residue is found in multiple mammalian species, which suggests that this missense change does not adversely affect protein function. This variant has not been reported in the literature in individuals affected with TMPRSS15-related conditions. This variant is not present in population databases (gnomAD no frequency). This sequence change replaces threonine, which is neutral and polar, with lysine, which is basic and polar, at codon 196 of the TMPRSS15 protein (p.Thr196Lys).